The following is an entry in ClinVar:

NM_016628.5(WAC):c.444C>A (p.Tyr148Ter)

Gene: WAC (WW domain containing adaptor with coiled-coil; plus strand). Cytogenetic location: 10p12.1.
Variant type: single nucleotide variant.
Coding change: c.444C>A on transcript NM_016628.5 (MANE Select); coding-DNA position 444, C replaced by A.
Protein change: p.Tyr148Ter; replaces tyrosine 148 with a stop codon.
Molecular consequence: nonsense.
Genome position (GRCh38, 1-based): chr10:28,589,798, C>A. VCF-style: chr10-28589798-C-A. GRCh37 (hg19) VCF-style: chr10-28878727-C-A.
Other names: c.309C>A, p.Tyr103Ter (NM_100264.3); c.444C>A, p.Tyr148Ter (NM_100486.4); short protein forms Y103*, Y148*.
Identifiers: ClinVar variation 1072110 (VCV001072110.7), dbSNP rs2132669206, ClinGen allele CA376401394.

ClinVar aggregate classification (germline): Pathogenic (1 of 4 stars; one submission).

Submission:

Labcorp Genetics (formerly Invitae), Labcorp
Classification: Pathogenic. Last evaluated: 2018-05-08. Review status: criteria provided, single submitter. Criteria: Invitae Variant Classification Sherloc (09022015). Collection method: clinical testing. Allele origin: germline.
Comment: For these reasons, this variant has been classified as Pathogenic. Loss-of-function variants in WAC are known to be pathogenic (PMID: 26264232, 26757981). This variant has not been reported in the literature in individuals with WAC-related disease. This variant is not present in population databases (ExAC no frequency). This sequence change creates a premature translational stop signal (p.Tyr148*) in the WAC gene. It is expected to result in an absent or disrupted protein product.

Literature cited by the submitters: PubMed 26264232; PubMed 26757981.